The following is an entry in ClinVar:

NM_001009944.3(PKD1):c.6785G>C (p.Gly2262Ala)

Gene: PKD1 (polycystin 1, transient receptor potential channel interacting; minus strand). Cytogenetic location: 16p13.3.
Variant type: single nucleotide variant.
Coding change: c.6785G>C on transcript NM_001009944.3 (MANE Select); coding-DNA position 6785, G replaced by C.
Protein change: p.Gly2262Ala; replaces glycine 2262 with alanine.
Molecular consequence: missense variant.
Genome position (GRCh38, 1-based): chr16:2,108,382, C>G on the plus strand (G>C on the coding strand, the complement: PKD1 is on the minus strand). VCF-style: chr16-2108382-C-G. GRCh37 (hg19) VCF-style: chr16-2158383-C-G.
Other names: c.6785G>C, p.Gly2262Ala (NM_000296.4); short protein forms G2262A.
Identifiers: ClinVar variation 4995783 (VCV004995783.1).

ClinVar aggregate classification (germline): Uncertain significance (1 of 4 stars; one submission).

Conditions:
PKD1-related disorder. Also called: PKD1-related condition.

Submission:

PreventionGenetics, part of Exact Sciences
Classification: Uncertain significance for PKD1-related condition. Last evaluated: 2026-05-19. Review status: criteria provided, single submitter. Criteria: ACMG Guidelines, 2015. Collection method: clinical testing. Allele origin: germline.
Comment: The PKD1 c.6785G>C variant is predicted to result in the amino acid substitution p.Gly2262Ala. To our knowledge, this variant has not been reported in the literature or in a large population database (gnomAD), indicating this variant is rare. At this time, the clinical significance of this variant is uncertain due to the absence of conclusive functional and genetic evidence.